The following is an entry in ClinVar:

NM_002860.4(ALDH18A1):c.1457G>A (p.Cys486Tyr)

Gene: ALDH18A1 (aldehyde dehydrogenase 18 family member A1; minus strand). Cytogenetic location: 10q24.1.
Variant type: single nucleotide variant.
Coding change: c.1457G>A on transcript NM_002860.4 (MANE Select); coding-DNA position 1457, G replaced by A.
Protein change: p.Cys486Tyr; replaces cysteine 486 with tyrosine.
Molecular consequence: missense variant.
Genome position (GRCh38, 1-based): chr10:95,621,041, C>T on the plus strand (G>A on the coding strand, the complement: ALDH18A1 is on the minus strand). VCF-style: chr10-95621041-C-T. GRCh37 (hg19) VCF-style: chr10-97380798-C-T.
Other names: c.1451G>A, p.Cys484Tyr (NM_001017423.2, NM_001323415.2); c.1124G>A, p.Cys375Tyr (NM_001323412.2, NM_001323416.2); c.1457G>A, p.Cys486Tyr (NM_001323413.2, NM_001323414.2); c.1352G>A, p.Cys451Tyr (NM_001323417.2); c.1118G>A, p.Cys373Tyr (NM_001323418.2); c.821G>A, p.Cys274Tyr (NM_001323419.2); short protein forms C274Y, C373Y, C375Y, C451Y, C484Y, C486Y.
Identifiers: ClinVar variation 3749054 (VCV003749054.2).

ClinVar aggregate classification (germline): Uncertain significance (1 of 4 stars; one submission).

Conditions:
Autosomal dominant spastic paraplegia type 9. Identifiers: MedGen C1832669, MONDO:0015091.
de Barsy syndrome. Also called: Cutis laxa-corneal clouding-oligophrenia syndrome. Identifiers: Orphanet 2962, MedGen C0268354, MONDO:0017569.
Cutis laxa, autosomal dominant 3 (ADCL3). Identifiers: Orphanet 90348, MedGen C4225268, MONDO:0014706, OMIM 616603.

gnomAD v4.1: 8 of 1,613,872 alleles (0.0005%); highest among the groups gnomAD compares: Admixed American, 0.0017%; no homozygotes.

Submission:

Labcorp Genetics (formerly Invitae), Labcorp
Classification: Uncertain significance for Autosomal dominant spastic paraplegia type 9; de Barsy syndrome; Cutis laxa, autosomal dominant 3. Last evaluated: 2024-02-06. Review status: criteria provided, single submitter. Criteria: Invitae Variant Classification Sherloc (09022015). Collection method: clinical testing. Allele origin: germline.
Comment: This sequence change replaces cysteine, which is neutral and slightly polar, with tyrosine, which is neutral and polar, at codon 486 of the ALDH18A1 protein (p.Cys486Tyr). This variant is present in population databases (rs759518976, gnomAD 0.002%). This variant has not been reported in the literature in individuals affected with ALDH18A1-related conditions. Advanced modeling of protein sequence and biophysical properties (such as structural, functional, and spatial information, amino acid conservation, physicochemical variation, residue mobility, and thermodynamic stability) has been performed at Invitae for this missense variant, however the output from this modeling did not meet the statistical confidence thresholds required to predict the impact of this variant on ALDH18A1 protein function. In summary, the available evidence is currently insufficient to determine the role of this variant in disease. Therefore, it has been classified as a Variant of Uncertain Significance.